The following is an entry in ClinVar:

ClinVar aggregate classification (germline): Uncertain significance (1 of 4 stars; one submission).

Submission:

GeneDx
Classification: Uncertain significance. Last evaluated: 2025-07-15. Review status: criteria provided, single submitter. Criteria: GeneDx Variant Classification Process June 2021. Collection method: clinical testing. Allele origin: germline.
Comment: Not observed at significant frequency in large population cohorts (gnomAD); In silico analysis supports that this missense variant has a deleterious effect on protein structure/function; Has not been previously published as pathogenic or benign to our knowledge

NM_001281740.3(FHOD3):c.923A>T (p.Asp308Val)

Gene: FHOD3 (formin homology 2 domain containing 3; plus strand). Cytogenetic location: 18q12.2.
Variant type: single nucleotide variant.
Coding change: c.923A>T on transcript NM_001281740.3 (MANE Select); coding-DNA position 923, A replaced by T.
Protein change: p.Asp308Val; replaces aspartic acid 308 with valine.
Molecular consequence: missense variant.
Genome position (GRCh38, 1-based): chr18:36,612,061, A>T. VCF-style: chr18-36612061-A-T. GRCh37 (hg19) VCF-style: chr18-34192024-A-T.
Other names: c.923A>T, p.Asp308Val (NM_001281739.3, NM_025135.5); short protein forms D308V.
Identifiers: ClinVar variation 3365334 (VCV003365334.2).